The following is an entry in ClinVar:

ClinVar aggregate classification (germline): Uncertain significance (1 of 4 stars; one submission).

Conditions:
Ornithine carbamoyltransferase deficiency (OTCD). Also called: ORNITHINE TRANSCARBAMYLASE DEFICIENCY; ORNITHINE TRANSCARBAMYLASE DEFICIENCY, HYPERAMMONEMIA DUE TO; OTC DEFICIENCY; Ornithine Carbamoyltransferase Deficiency Disease. Identifiers: Orphanet 664, MedGen C0268542, MONDO:0010703, OMIM 311250.

Submission:

Labcorp Genetics (formerly Invitae), Labcorp
Classification: Uncertain significance for Ornithine carbamoyltransferase deficiency. Last evaluated: 2025-09-02. Review status: criteria provided, single submitter. Criteria: Invitae Variant Classification Sherloc (09022015). Collection method: clinical testing. Allele origin: germline.
Comment: This sequence change replaces serine, which is neutral and polar, with isoleucine, which is neutral and non-polar, at codon 267 of the OTC protein (p.Ser267Ile). This variant is not present in population databases (gnomAD no frequency). This variant has not been reported in the literature in individuals affected with OTC-related conditions. ClinVar contains an entry for this variant (Variation ID: 2115156). Invitae Evidence Modeling of protein sequence and biophysical properties (such as structural, functional, and spatial information, amino acid conservation, physicochemical variation, residue mobility, and thermodynamic stability) indicates that this missense variant is expected to disrupt OTC protein function with a positive predictive value of 95%. This variant disrupts the p.Ser267 amino acid residue in OTC. Other variant(s) that disrupt this residue have been observed in individuals with OTC-related conditions (PMID: 9452024, 25297582), which suggests that this may be a clinically significant amino acid residue. In summary, the available evidence is currently insufficient to determine the role of this variant in disease. Therefore, it has been classified as a Variant of Uncertain Significance.

Literature cited by the submitters: PubMed 9452024; PubMed 25297582.

NM_000531.6(OTC):c.800G>T (p.Ser267Ile)

Gene: OTC (ornithine transcarbamylase; plus strand). Cytogenetic location: Xp11.4.
Variant type: single nucleotide variant.
Coding change: c.800G>T on transcript NM_000531.6 (MANE Select); coding-DNA position 800, G replaced by T.
Protein change: p.Ser267Ile; replaces serine 267 with isoleucine.
Molecular consequence: missense variant.
Genome position (GRCh38, 1-based): chrX:38,408,958, G>T. VCF-style: chrX-38408958-G-T. GRCh37 (hg19) VCF-style: chrX-38268211-G-T.
Other names: c.800G>T, p.Ser267Ile (NM_001407092.1); short protein forms S267I.
Identifiers: ClinVar variation 2115156 (VCV002115156.4), dbSNP rs1218297443, ClinGen allele CA412723072.